The following is an entry in ClinVar:

ClinVar aggregate classification (germline): Likely benign. Review status: criteria provided, single submitter (1 of 4 stars). 2 submissions from 2 submitters: Likely benign (1). 1 of the submissions does not count toward it. Last evaluated 2018-08-08.

Conditions:
KEL-related disorder. Also called: KEL-related condition.

Allele frequency attached by ClinVar (database versions not stated): 1000 Genomes Project 30x 0.00078; 1000 Genomes Project 0.00080; gnomAD 0.00095 and 0.00099; gnomAD exomes 0.00095 and 0.00121; ESP Exome Variant Server 0.00100; ExAC 0.00114; TOPMed 0.00127.
gnomAD v4.1: 1,916 of 1,611,044 alleles (0.12%); highest among the groups gnomAD compares: Non-Finnish European, 0.14%; 5 homozygotes.

Submissions (2):

Labcorp Genetics (formerly Invitae), Labcorp
Classification: Likely benign. Last evaluated: 2018-08-08. Review status: criteria provided, single submitter. Criteria: Invitae Variant Classification Sherloc (09022015). Collection method: clinical testing. Allele origin: germline.

PreventionGenetics, part of Exact Sciences
Classification: Likely benign for KEL-related condition. Last evaluated: 2019-05-30. Review status: no assertion criteria provided. Collection method: clinical testing. Allele origin: germline. Not counted in ClinVar's aggregate classification.
Comment: This variant is classified as likely benign based on ACMG/AMP sequence variant interpretation guidelines (Richards et al. 2015 PMID: 25741868, with internal and published modifications).

NM_000420.3(KEL):c.1204-4A>G

Gene: KEL (Kell metallo-endopeptidase (Kell blood group); minus strand). Cytogenetic location: 7q34.
Variant type: single nucleotide variant.
Coding change: c.1204-4A>G on transcript NM_000420.3 (MANE Select); 4 bases into the intron before coding-DNA position 1204, A replaced by G.
Molecular consequence: intron variant.
Genome position (GRCh38, 1-based): chr7:142,946,321, T>C on the plus strand (A>G on the coding strand, the complement: KEL is on the minus strand). VCF-style: chr7-142946321-T-C. GRCh37 (hg19) VCF-style: chr7-142643408-T-C.
Identifiers: ClinVar variation 731276 (VCV000731276.5), dbSNP rs138550257, ClinGen allele CA4534335.
Genomic context (GRCh38, chr7:142,946,321, plus strand): 5'-GGGCTCGAAGAACGTGCCTGTCTCCTCCACGCACTTCATCCATCGTGGGCGGGCAGGCTA[T>C]GGAGACAAAGCTGGAATGAGTGGCTCCTGTTCAGGACTCTTTCCTCATCTGTCTCCCCAG-3'